The following is an entry in ClinVar:

ClinVar aggregate classification (germline): Uncertain significance (1 of 4 stars; one submission).

Conditions:
Intellectual developmental disorder, X-linked, syndromic, Turner type. Also called: X-linked intellectual disability, Turner type; Intellectual disability, X-linked syndromic, Turner type. Identifiers: Orphanet 3056, Orphanet 85328, MedGen C2678046, MONDO:0010407, OMIM 309590.

Submission:

Laboratorio de Genetica e Diagnostico Molecular, Hospital Israelita Albert Einstein
Classification: Uncertain significance for Intellectual developmental disorder, X-linked, syndromic, Turner type. Last evaluated: 2024-05-20. Review status: criteria provided, single submitter. Criteria: ACMG Guidelines, 2015. Collection method: clinical testing. Allele origin: germline. Affected: yes.
Comment: ACMG classification criteria: PM2 supporting, BP4 supporting

NM_031407.7(HUWE1):c.4204C>T (p.Arg1402Trp)

Gene: HUWE1 (HECT, UBA and WWE domain containing E3 ubiquitin protein ligase 1; minus strand). Cytogenetic location: Xp11.22.
Variant type: single nucleotide variant.
Coding change: c.4204C>T on transcript NM_031407.7 (MANE Select); coding-DNA position 4204, C replaced by T.
Protein change: p.Arg1402Trp; replaces arginine 1402 with tryptophan.
Molecular consequence: missense variant.
Genome position (GRCh38, 1-based): chrX:53,589,804, G>A on the plus strand (C>T on the coding strand, the complement: HUWE1 is on the minus strand). VCF-style: chrX-53589804-G-A. GRCh37 (hg19) VCF-style: chrX-53616764-G-A.
Other names: short protein forms R1402W.
Identifiers: ClinVar variation 4056775 (VCV004056775.1).
Genomic context (GRCh38, chrX:53,589,804, plus strand): 5'-GACATTTAGCCTCTTCCTCCTCCTGCTTTTCCCGAGCTTTCCGTTCCTCTTCCTCCTTCC[G>A]GCAAGCAACTTCCTGGAAGCAGGGAAGGAAGTGTGAATAATACACAGGAGAGGTGAAGGA-3'
Protein context (NP_113584.3, residues 1392-1412): RAESPEEVAC[Arg1402Trp]KEEEERKARE